The following is an entry in ClinVar:

ClinVar aggregate classification (germline): Conflicting classifications of pathogenicity. Review status: criteria provided, conflicting classifications (1 of 4 stars). 8 submissions from 8 submitters: Uncertain significance (6); Likely benign (2). Last evaluated 2024-12-23.

Conditions:
Mitochondrial complex 2 deficiency, nuclear type 3. Also called: MITOCHONDRIAL COMPLEX II DEFICIENCY, NUCLEAR TYPE 3. Identifiers: MedGen C5436934, MONDO:0030937, OMIM 619167.
Carney-Stratakis syndrome. Also called: PARAGANGLIOMA AND GASTROINTESTINAL STROMAL TUMOR. Identifiers: Orphanet 97286, MedGen C1847319, MONDO:0011740, OMIM 606864.
Pheochromocytoma/paraganglioma syndrome 1. Also called: PARAGANGLIOMAS, FAMILIAL NONCHROMAFFIN, 1; PGL 1; Paragangliomas familial 1; SDHD-Related Hereditary Paraganglioma-Pheochromocytoma Syndrome; PARAGANGLIOMATA; Paragangliomas 1. Identifiers: Orphanet 29072, MedGen C3494181, MONDO:0008192, OMIM 168000.
Cowden syndrome 3 (CWS3). Identifiers: Orphanet 201, MedGen CN166604, MONDO:0014045.
Paragangliomas with sensorineural hearing loss. Identifiers: MedGen C1868633.
Pheochromocytoma. Also called: MAX-Related Hereditary Paraganglioma-Pheochromocytoma Syndrome. Identifiers: Orphanet 29072, MedGen C0031511, MONDO:0008233, OMIM 171300, HP:0002666.
Hereditary cancer-predisposing syndrome. Also called: Tumor predisposition; Hereditary neoplastic syndrome; Neoplastic Syndromes, Hereditary; Hereditary Cancer Syndrome. Identifiers: Orphanet 140162, MedGen C0027672, MeSH D009386, MONDO:0015356.
Hereditary pheochromocytoma and paraganglioma. Also called: Hereditary paragangliomas and pheochromocytomas; Hereditary Paraganglioma-Pheochromocytoma Syndromes; Hereditary pheochromocytoma-paraganglioma. Identifiers: Orphanet 29072, MedGen C4274332, MONDO:0017366.

Allele frequency attached by ClinVar (database versions not stated): ESP Exome Variant Server 0.00008; TOPMed 0.00009.
gnomAD v4.1: 76 of 1,613,874 alleles (0.0047%); highest among the groups gnomAD compares: Non-Finnish European, 0.0058%; no homozygotes.

Submissions (8):

Labcorp Genetics (formerly Invitae), Labcorp
Classification: Uncertain significance for Carney-Stratakis syndrome; Paragangliomas with sensorineural hearing loss; Pheochromocytoma; Cowden syndrome 3. Last evaluated: 2024-12-23. Review status: criteria provided, single submitter. Criteria: Invitae Variant Classification Sherloc (09022015). Collection method: clinical testing. Allele origin: germline.
Comment: This sequence change replaces isoleucine, which is neutral and non-polar, with leucine, which is neutral and non-polar, at codon 40 of the SDHD protein (p.Ile40Leu). This variant is present in population databases (rs146276662, gnomAD 0.005%). This missense change has been observed in individual(s) with Cowden or Cowden-like syndrome (PMID: 22829200). ClinVar contains an entry for this variant (Variation ID: 218581). Invitae Evidence Modeling of protein sequence and biophysical properties (such as structural, functional, and spatial information, amino acid conservation, physicochemical variation, residue mobility, and thermodynamic stability) indicates that this missense variant is not expected to disrupt SDHD protein function with a negative predictive value of 95%. In summary, the available evidence is currently insufficient to determine the role of this variant in disease. Therefore, it has been classified as a Variant of Uncertain Significance.

All of Us Research Program, National Institutes of Health
Classification: Uncertain significance for Hereditary pheochromocytoma and paraganglioma. Last evaluated: 2024-09-23. Review status: criteria provided, single submitter. Criteria: ACMG Guidelines, 2015. Collection method: clinical testing. Allele origin: germline. Inheritance: Autosomal dominant inheritance. Observed: 14 variant alleles, 14 heterozygotes.
Comment: This missense variant replaces isoleucine with leucine at codon 40 of the SDHD protein. Computational prediction is inconclusive regarding the impact of this variant on protein structure and function (internally defined REVEL score threshold 0.5 < inconclusive < 0.7, PMID: 27666373). To our knowledge, functional studies have not been reported for this variant. This variant has been reported in individuals affected with Cowden-like syndrome (PMID: 22829200), or head-neck paraganglioma (PMID: 19351833). This variant has been identified in 7/251478 chromosomes in the general population by the Genome Aggregation Database (gnomAD). The available evidence is insufficient to determine the role of this variant in disease conclusively. Therefore, this variant is classified as a Variant of Uncertain Significance.

This study involves interpretation of variants in research participants for the purpose of population health screening. Participant phenotype was not available at the time of variant classification. Additional details can be found in publication PMID: 35346344, PMCID: PMC8962531

Quest Diagnostics Nichols Institute San Juan Capistrano
Classification: Uncertain significance. Last evaluated: 2024-09-17. Review status: criteria provided, single submitter. Criteria: Quest Diagnostics criteria. Collection method: clinical testing. Allele origin: unknown.
Comment: The SDHD c.118A>C (p.Ile40Leu) variant has been reported in the published literature in an individual with Cowden or Cowden-like syndrome (PMID: 22829200 (2012)) and in extracranial solid tumors from pediatric patients (PMID: 35739269 (2022)). The frequency of this variant in the general population, 0.000062 (7/113770 chromosomes in European (Non-Finnish) subpopulation (Genome Aggregation Database)), is higher than would generally be expected for pathogenic variants in this gene. Analysis of this variant using bioinformatics tools for the prediction of the effect of amino acid changes on protein structure and function yielded conflicting predictions that this variant is deleterious or benign. Based on the available information, we are unable to determine the clinical significance of this variant.

Color Diagnostics, LLC DBA Color Health
Classification: Uncertain significance for Hereditary pheochromocytoma and paraganglioma. Last evaluated: 2024-05-23. Review status: criteria provided, single submitter. Criteria: ACMG Guidelines, 2015. Collection method: clinical testing. Allele origin: germline.
Comment: This missense variant replaces isoleucine with leucine at codon 40 of the SDHD protein. Computational prediction is inconclusive regarding the impact of this variant on protein structure and function. To our knowledge, functional studies have not been reported for this variant. This variant has been reported in individuals affected with head andneck paraganglioma (HNPGLPMID: 19351833). This variant has been identified in 7/251478 chromosomes in the general population by the Genome Aggregation Database (gnomAD). The available evidence is insufficient to determine the role of this variant in disease conclusively. Therefore, this variant is classified as a Variant of Uncertain Significance.

Department of Pathology and Laboratory Medicine, Sinai Health System
Classification: Uncertain significance for Pheochromocytoma/paraganglioma syndrome 1; Carney-Stratakis syndrome; Mitochondrial complex 2 deficiency, nuclear type 3. Last evaluated: 2022-12-22. Review status: criteria provided, single submitter. Criteria: ACMG Guidelines, 2015. Collection method: clinical testing. Allele origin: germline. Affected: yes.

Ambry Genetics
Classification: Likely benign for Hereditary cancer-predisposing syndrome. Last evaluated: 2020-08-07. Review status: criteria provided, single submitter. Criteria: Ambry Variant Classification Scheme 2023. Collection method: clinical testing. Allele origin: germline.

Illumina Laboratory Services, Illumina
Classification: Likely benign for Hereditary Paraganglioma-Pheochromocytoma Syndromes. Last evaluated: 2017-04-28. Review status: criteria provided, single submitter. Criteria: ICSL Variant Classification Criteria 13 December 2019. Collection method: clinical testing. Allele origin: germline.
Comment: This variant was observed as part of a predisposition screen in an ostensibly healthy population. A literature search was performed for the gene, cDNA change, and amino acid change (where applicable). Publications were found based on this search. The evidence from the literature, in combination with allele frequency data from public databases where available, was sufficient to determine this variant is unlikely to cause disease. Therefore, this variant is classified as likely benign.

Genomic Diagnostic Laboratory, Division of Genomic Diagnostics, Children's Hospital of Philadelphia
Classification: Uncertain significance for Paragangliomas 1. Last evaluated: 2015-03-25. Review status: criteria provided, single submitter. Criteria: DGD Variant Analysis Guidelines. Collection method: clinical testing. Allele origin: unknown.

Literature cited by the submitters: PubMed 22829200 (cited by 4 submitters); PubMed 19351833 (cited by 3 submitters); PubMed 35739269 (cited by Quest Diagnostics Nichols Institute San Juan Capistrano).

NM_003002.4(SDHD):c.118A>C (p.Ile40Leu)

Gene: SDHD (succinate dehydrogenase complex subunit D; plus strand). Cytogenetic location: 11q23.1.
Variant type: single nucleotide variant.
Coding change: c.118A>C on transcript NM_003002.4 (MANE Select); coding-DNA position 118, A replaced by C.
Protein change: p.Ile40Leu; replaces isoleucine 40 with leucine.
Molecular consequence: missense variant. On other transcripts: non-coding transcript variant (1), intron variant (1).
Genome position (GRCh38, 1-based): chr11:112,087,922, A>C. VCF-style: chr11-112087922-A-C. GRCh37 (hg19) VCF-style: chr11-111958646-A-C.
Other names: c.118A>C, p.Ile40Leu (NM_001276503.2, NM_001276506.2); c.53-945A>C (NM_001276504.2); short protein forms I40L.
Identifiers: ClinVar variation 218581 (VCV000218581.56), dbSNP rs146276662, ClinGen allele CA277884.
Genomic context (GRCh38, chr11:112,087,922, plus strand): 5'-TTGCTTCGAACTCCAGTGGTCAGACCTGCTCATATCTCAGCATTTCTTCAGGACCGACCT[A>C]TCCCAGAATGGTGTGGAGTGCAGCACATACACTTGTCACCGAGCCACCATTGTATGTTCT-3'
Protein context (NP_002993.1, residues 30-50): HISAFLQDRP[Ile40Leu]PEWCGVQHIH